The following is an entry in ClinVar:

NM_000179.3(MSH6):c.218A>T (p.Asn73Ile)

Gene: MSH6 (mutS homolog 6; plus strand). Cytogenetic location: 2p16.3.
Variant type: single nucleotide variant.
Coding change: c.218A>T on transcript NM_000179.3 (MANE Select); coding-DNA position 218, A replaced by T.
Protein change: p.Asn73Ile; replaces asparagine 73 with isoleucine.
Molecular consequence: missense variant. On other transcripts: 5 prime UTR variant (1).
Genome position (GRCh38, 1-based): chr2:47,783,451, A>T. VCF-style: chr2-47783451-A-T. GRCh37 (hg19) VCF-style: chr2-48010590-A-T.
Other names: c.218A>T, p.Asn73Ile (NM_001281492.2, NM_001406795.1, NM_001406796.1 and 9 more transcripts); c.-519A>T (NM_001281493.2, NM_001406811.1); c.-111A>T (NM_001406799.1); c.163A>T, p.Thr55Ser (NM_001406804.1); c.-711A>T (NM_001406807.1); c.-366A>T (NM_001406812.1); c.-777A>T (NM_001406814.1); c.-322A>T (NM_001406816.1); short protein forms T55S, N73I.
Identifiers: ClinVar variation 2086416 (VCV002086416.5), dbSNP rs2103942896, ClinGen allele CA346735078.

ClinVar aggregate classification (germline): Uncertain significance. Review status: criteria provided, multiple submitters, no conflicts (2 of 4 stars). 2 submissions from 2 submitters: Uncertain significance (2). Last evaluated 2025-09-29.

Conditions:
Hereditary nonpolyposis colorectal neoplasms. Identifiers: MedGen C0009405, MeSH D003123.
Hereditary cancer-predisposing syndrome. Also called: Tumor predisposition; Neoplastic Syndromes, Hereditary; Hereditary Cancer Syndrome; Hereditary neoplastic syndrome. Identifiers: Orphanet 140162, MedGen C0027672, MeSH D009386, MONDO:0015356.

Submissions (2):

Ambry Genetics
Classification: Uncertain significance for Hereditary cancer-predisposing syndrome. Last evaluated: 2025-09-29. Review status: criteria provided, single submitter. Criteria: Ambry Variant Classification Scheme 2023. Collection method: clinical testing. Allele origin: germline.
Comment: The p.N73I variant (also known as c.218A>T), located in coding exon 1 of the MSH6 gene, results from an A to T substitution at nucleotide position 218. The asparagine at codon 73 is replaced by isoleucine, an amino acid with dissimilar properties. This amino acid position is conserved. In addition, the in silico prediction for this alteration is inconclusive. Based on the available evidence, the clinical significance of this variant remains unclear.

Labcorp Genetics (formerly Invitae), Labcorp
Classification: Uncertain significance for Hereditary nonpolyposis colorectal neoplasms. Last evaluated: 2022-01-16. Review status: criteria provided, single submitter. Criteria: Invitae Variant Classification Sherloc (09022015). Collection method: clinical testing. Allele origin: germline.
Comment: In summary, the available evidence is currently insufficient to determine the role of this variant in disease. Therefore, it has been classified as a Variant of Uncertain Significance. This sequence change replaces asparagine, which is neutral and polar, with isoleucine, which is neutral and non-polar, at codon 73 of the MSH6 protein (p.Asn73Ile). This variant is not present in population databases (gnomAD no frequency). This variant has not been reported in the literature in individuals affected with MSH6-related conditions. Advanced modeling of protein sequence and biophysical properties (such as structural, functional, and spatial information, amino acid conservation, physicochemical variation, residue mobility, and thermodynamic stability) performed at Invitae indicates that this missense variant is not expected to disrupt MSH6 protein function.